The following is an entry in ClinVar:

ClinVar aggregate classification (germline): Pathogenic/Likely pathogenic. Review status: criteria provided, multiple submitters, no conflicts (2 of 4 stars). 2 submissions from 2 submitters: Pathogenic (1); Likely pathogenic (1). Last evaluated 2024-03-07.

Conditions:
Retinitis pigmentosa 39 (RP39). Identifiers: Orphanet 791, MedGen C3151138, MONDO:0013436, OMIM 613809.

Submissions (2):

Baylor Genetics
Classification: Pathogenic for Retinitis pigmentosa 39. Last evaluated: 2024-03-07. Review status: criteria provided, single submitter. Criteria: ACMG Guidelines, 2015. Collection method: clinical testing. Allele origin: unknown.

Labcorp Genetics (formerly Invitae), Labcorp
Classification: Likely pathogenic. Last evaluated: 2022-09-27. Review status: criteria provided, single submitter. Criteria: Invitae Variant Classification Sherloc (09022015). Collection method: clinical testing. Allele origin: germline.
Comment: In summary, the currently available evidence indicates that the variant is pathogenic, but additional data are needed to prove that conclusively. Therefore, this variant has been classified as Likely Pathogenic. Algorithms developed to predict the effect of sequence changes on RNA splicing suggest that this variant may disrupt the consensus splice site. Disruption of this splice site has been observed in individual(s) with USH2A-related conditions (PMID: 27208204, 33946315). This variant is not present in population databases (gnomAD no frequency). This sequence change affects an acceptor splice site in intron 32 of the USH2A gene. It is expected to disrupt RNA splicing. Variants that disrupt the donor or acceptor splice site typically lead to a loss of protein function (PMID: 16199547), and loss-of-function variants in USH2A are known to be pathogenic (PMID: 10729113, 10909849, 20507924, 25649381).

Literature cited by the submitters: PubMed 27208204 (cited by Labcorp Genetics (formerly Invitae), Labcorp); PubMed 33946315 (cited by Labcorp Genetics (formerly Invitae), Labcorp); PubMed 16199547 (cited by Labcorp Genetics (formerly Invitae), Labcorp); PubMed 10729113 (cited by Labcorp Genetics (formerly Invitae), Labcorp); PubMed 10909849 (cited by Labcorp Genetics (formerly Invitae), Labcorp); PubMed 20507924 (cited by Labcorp Genetics (formerly Invitae), Labcorp); PubMed 25649381 (cited by Labcorp Genetics (formerly Invitae), Labcorp).

NM_206933.4(USH2A):c.6326-1G>T

Gene: USH2A (usherin; minus strand). Cytogenetic location: 1q41.
Variant type: single nucleotide variant.
Coding change: c.6326-1G>T on transcript NM_206933.4 (MANE Select); the canonical splice acceptor site of the intron before coding-DNA position 6326, G replaced by T.
Molecular consequence: splice acceptor variant.
Genome position (GRCh38, 1-based): chr1:216,000,563, C>A on the plus strand (G>T on the coding strand, the complement: USH2A is on the minus strand). VCF-style: chr1-216000563-C-A. GRCh37 (hg19) VCF-style: chr1-216173905-C-A.
Identifiers: ClinVar variation 2098126 (VCV002098126.5), dbSNP rs878853411, ClinGen allele CA344862014.